The following is an entry in ClinVar:

NM_000143.4(FH):c.912T>G (p.Pro304=)

Gene: FH (fumarate hydratase; minus strand). Cytogenetic location: 1q43.
Variant type: single nucleotide variant.
Coding change: c.912T>G on transcript NM_000143.4 (MANE Select); coding-DNA position 912, T replaced by G.
Protein change: p.Pro304=; no amino-acid change (proline 304 retained).
Molecular consequence: synonymous variant.
Genome position (GRCh38, 1-based): chr1:241,504,238, A>C on the plus strand (T>G on the coding strand, the complement: FH is on the minus strand). VCF-style: chr1-241504238-A-C. GRCh37 (hg19) VCF-style: chr1-241667538-A-C.
Identifiers: ClinVar variation 719625 (VCV000719625.14), dbSNP rs1573880603, ClinGen allele CA424075862.

ClinVar aggregate classification (germline): Benign/Likely benign. Review status: criteria provided, multiple submitters, no conflicts (2 of 4 stars). 3 submissions from 3 submitters: Benign (1); Likely benign (2). Last evaluated 2025-02-05.

Conditions:
Hereditary cancer-predisposing syndrome. Also called: Neoplastic Syndromes, Hereditary; Hereditary Cancer Syndrome; Hereditary neoplastic syndrome; Tumor predisposition. Identifiers: Orphanet 140162, MedGen C0027672, MeSH D009386, MONDO:0015356.
Hereditary leiomyomatosis and renal cell cancer. Also called: Familial leiomyomatosis; Reed syndrome; Multiple cutaneous and uterine leiomyomatosis; Cutaneous leiomyomata with uterine leiomyomata; Leiomyoma, hereditary multiple, of skin; Multiple cutaneous and uterine leiomyomata. Identifiers: Orphanet 523, MedGen C1708350, MONDO:0007888, OMIM 150800, HP:0007437. Disease mechanism: loss of function.

Submissions (3):

Labcorp Genetics (formerly Invitae), Labcorp
Classification: Likely benign. Last evaluated: 2025-02-05. Review status: criteria provided, single submitter. Criteria: Invitae Variant Classification Sherloc (09022015). Collection method: clinical testing. Allele origin: germline.

Myriad Genetics, Inc.
Classification: Benign for Hereditary leiomyomatosis and renal cell cancer. Last evaluated: 2024-10-18. Review status: criteria provided, single submitter. Criteria: Myriad Autosomal Dominant, Autosomal Recessive and X-Linked Classification Criteria (2023). Collection method: clinical testing. Allele origin: unknown.
Comment: This variant is considered benign. This variant is a silent/synonymous amino acid change and it is not expected to impact splicing.

Ambry Genetics
Classification: Likely benign for Hereditary cancer-predisposing syndrome. Last evaluated: 2019-06-20. Review status: criteria provided, single submitter. Criteria: Ambry Variant Classification Scheme 2023. Collection method: clinical testing. Allele origin: germline.